The following is an entry in ClinVar:

ClinVar aggregate classification (germline): Uncertain significance (1 of 4 stars; one submission).

Allele frequency attached by ClinVar (database versions not stated): TOPMed 0.00076; 1000 Genomes Project 0.00100; gnomAD exomes 0.00012; ExAC 0.00018; ESP Exome Variant Server 0.00062; gnomAD 0.00063; 1000 Genomes Project 30x 0.00109.
gnomAD v4.1: 282 of 1,613,832 alleles (0.017%); highest among the groups gnomAD compares: African/African-American, 0.15%; no homozygotes.

Submission:

Labcorp Genetics (formerly Invitae), Labcorp
Classification: Uncertain significance. Last evaluated: 2025-12-08. Review status: criteria provided, single submitter. Criteria: Invitae Variant Classification Sherloc (09022015). Collection method: clinical testing. Allele origin: germline.
Comment: This sequence change replaces asparagine, which is neutral and polar, with serine, which is neutral and polar, at codon 697 of the KANK1 protein (p.Asn697Ser). This variant is present in population databases (rs146907657, gnomAD 0.1%), and has an allele count higher than expected for a pathogenic variant. This variant has not been reported in the literature in individuals affected with KANK1-related conditions. ClinVar contains an entry for this variant (Variation ID: 2119117). Invitae Evidence Modeling of protein sequence and biophysical properties (such as structural, functional, and spatial information, amino acid conservation, physicochemical variation, residue mobility, and thermodynamic stability) indicates that this missense variant is not expected to disrupt KANK1 protein function with a negative predictive value of 80%. In summary, the available evidence is currently insufficient to determine the role of this variant in disease. Therefore, it has been classified as a Variant of Uncertain Significance.

NM_015158.5(KANK1):c.2090A>G (p.Asn697Ser)

Gene: KANK1 (KN motif and ankyrin repeat domains 1; plus strand). Cytogenetic location: 9p24.3.
Variant type: single nucleotide variant.
Coding change: c.2090A>G on transcript NM_015158.5 (MANE Select); coding-DNA position 2090, A replaced by G.
Protein change: p.Asn697Ser; replaces asparagine 697 with serine.
Molecular consequence: missense variant. On other transcripts: non-coding transcript variant (1).
Genome position (GRCh38, 1-based): chr9:712,856, A>G. VCF-style: chr9-712856-A-G. GRCh37 (hg19) VCF-style: chr9-712856-A-G.
Other names: c.2090A>G, p.Asn697Ser (NM_001256876.3, NM_001256877.3, NM_001354331.2 and 2 more transcripts); c.1616A>G, p.Asn539Ser (NM_001354333.2, NM_001354335.2, NM_001354336.2 and 9 more transcripts); short protein forms N539S, N697S.
Identifiers: ClinVar variation 2119117 (VCV002119117.4), dbSNP rs146907657, ClinGen allele CA4960416.
Genomic context (GRCh38, chr9:712,856, plus strand): 5'-TGGAACAGGTGCACCAGTTCACCAACACCGAGACGGCCACCCTCATAGAGTCCTGCACCA[A>G]CACTTGTCTAAGCACTTTGGACAAGCAGACCAGCACCCAGACTGTGGAGACGCGGACAGT-3'
Protein context (NP_055973.2, residues 687-707): ETATLIESCT[Asn697Ser]TCLSTLDKQT